The following is an entry in ClinVar:

NM_001848.3(COL6A1):c.423C>T (p.Leu141=)

Gene: COL6A1 (collagen type VI alpha 1 chain; plus strand). Cytogenetic location: 21q22.3.
Variant type: single nucleotide variant.
Coding change: c.423C>T on transcript NM_001848.3 (MANE Select); coding-DNA position 423, C replaced by T.
Protein change: p.Leu141=; no amino-acid change (leucine 141 retained).
Molecular consequence: synonymous variant.
Genome position (GRCh38, 1-based): chr21:45,984,464, C>T. VCF-style: chr21-45984464-C-T. GRCh37 (hg19) VCF-style: chr21-47404378-C-T.
Identifiers: ClinVar variation 258301 (VCV000258301.37), dbSNP rs373486149, ClinGen allele CA10069561.

ClinVar aggregate classification (germline): Conflicting classifications of pathogenicity. Review status: criteria provided, conflicting classifications (1 of 4 stars). 4 submissions from 4 submitters: Uncertain significance (1); Likely benign (3). Last evaluated 2025-01-06.

Conditions:
Bethlem myopathy 1A. Also called: Bethlem myopathy 1; MYOPATHY, BENIGN CONGENITAL, WITH CONTRACTURES; Bethlem Muscular Dystrophy. Identifiers: Orphanet 610, MedGen CN029274, MONDO:0024530, OMIM 158810.

Allele frequency attached by ClinVar (database versions not stated): gnomAD 0.00003; TOPMed 0.00005; ExAC 0.00007; ESP Exome Variant Server 0.00015.

Submissions (4):

Labcorp Genetics (formerly Invitae), Labcorp
Classification: Likely benign for Bethlem myopathy 1A. Last evaluated: 2025-01-06. Review status: criteria provided, single submitter. Criteria: Invitae Variant Classification Sherloc (09022015). Collection method: clinical testing. Allele origin: germline.

CeGaT Center for Human Genetics Tuebingen
Classification: Likely benign. Last evaluated: 2022-07-01. Review status: criteria provided, single submitter. Criteria: CeGaT Center For Human Genetics Tuebingen Variant Classification Criteria Version 2. Collection method: clinical testing. Allele origin: germline. Affected: yes. Observed: 1 variant allele.
Comment: COL6A1: BP4, BP7

Eurofins Ntd Llc (ga)
Classification: Uncertain significance. Last evaluated: 2016-09-07. Review status: criteria provided, single submitter. Criteria: EGL Classification Definitions 2015. Collection method: clinical testing. Allele origin: germline. Observed: 1 variant allele, 1 heterozygote.

PreventionGenetics, part of Exact Sciences
Classification: Likely benign. Review status: criteria provided, single submitter. Criteria: ACMG Guidelines, 2015. Collection method: clinical testing. Allele origin: germline.